The following is an entry in ClinVar:

ClinVar aggregate classification (germline): Uncertain significance. Review status: criteria provided, multiple submitters, no conflicts (2 of 4 stars). 2 submissions from 2 submitters: Uncertain significance (2). Last evaluated 2023-12-01.

Conditions:
Hereditary cancer-predisposing syndrome. Also called: Neoplastic Syndromes, Hereditary; Tumor predisposition; Hereditary neoplastic syndrome; Hereditary Cancer Syndrome. Identifiers: Orphanet 140162, MedGen C0027672, MeSH D009386, MONDO:0015356.

Submissions (2):

GeneDx
Classification: Uncertain significance. Last evaluated: 2023-12-01. Review status: criteria provided, single submitter. Criteria: GeneDx Variant Classification Process June 2021. Collection method: clinical testing. Allele origin: germline.
Comment: Duplication involving the initiation codon in a gene for which a downstream in-frame ATG produces an alternate clinically-relevant isoform, pVHL19, that may result in a functional protein (PMID: 9371762, 9751722, 10102622); Has not been previously published as pathogenic or benign to our knowledge; In silico analysis supports that this variant does not alter splicing; Not observed at significant frequency in large population cohorts (gnomAD); This variant is associated with the following publications: (PMID: 9371762, 9751722, 10102622)

Ambry Genetics
Classification: Uncertain significance for Hereditary cancer-predisposing syndrome. Last evaluated: 2019-05-13. Review status: criteria provided, single submitter. Criteria: Ambry Variant Classification Scheme 2023. Collection method: clinical testing. Allele origin: germline.
Comment: The c.-11_10dupTCGCGGAGGGAATGCCCCGGA alteration is located in the 5' untranslated region (5'UTR) of the VHL gene. This alteration consists of a duplication of 21 nucleotides upstream from the first translated codon. Based on insufficient or conflicting evidence, the clinical significance of this alteration remains unclear.

NM_000551.4(VHL):c.-11_10dup (p.Arg3_Arg4insIleAlaGluGlyMetProArg)

Gene: VHL (von Hippel-Lindau tumor suppressor; plus strand). Cytogenetic location: 3p25.3.
Variant type: Duplication.
Coding change: c.-11_10dup on transcript NM_000551.4 (MANE Select); 11 bases upstream of the start codon through coding-DNA position 10, 21 bases duplicated (TCGCGGAGGGAATGCCCCGGA).
Protein change: p.Arg3_Arg4insIleAlaGluGlyMetProArg.
Molecular consequence: inframe insertion, initiator codon variant. On other transcripts: non-coding transcript variant (1).
Genome position (GRCh38, 1-based): chr3:10,141,837-10,141,857, TCGCGGAGGGAATGCCCCGGA duplicated; duplicating any 21 consecutive bases within chr3:10,141,834-10,141,857 gives the same sequence; the c. name uses the placement nearest the transcript's 3' end. VCF-style (leftmost placement, unchanged base first): chr3-10141833-T-TGGATCGCGGAGGGAATGCCCC. GRCh37 (hg19) VCF-style: chr3-10183517-T-TGGATCGCGGAGGGAATGCCCC.
Other names: c.-11_10dup, p.Arg3_Arg4insIleAlaGluGlyMetProArg (NM_001354723.2, NM_198156.3); c.-11_10dupTCGCGGAGGGAATGCCCCGGA (NM_000551.3).
Identifiers: ClinVar variation 2446103 (VCV002446103.5), dbSNP rs2470156869, ClinGen allele CA2580068376.